The following is an entry in ClinVar:

ClinVar aggregate classification (germline): Uncertain significance (1 of 4 stars; one submission).

gnomAD v4.1: 2 of 1,613,096 alleles (0.00012%); highest among the groups gnomAD compares: East Asian, 0.0045%; no homozygotes.

Submission:

Labcorp Genetics (formerly Invitae), Labcorp
Classification: Uncertain significance. Last evaluated: 2026-02-02. Review status: criteria provided, single submitter. Criteria: Invitae Variant Classification Sherloc (09022015). Collection method: clinical testing. Allele origin: germline.
Comment: This sequence change replaces alanine, which is neutral and non-polar, with valine, which is neutral and non-polar, at codon 404 of the C1S protein (p.Ala404Val). This variant is present in population databases (rs782727382, gnomAD 0.006%). This variant has not been reported in the literature in individuals affected with C1S-related conditions. Invitae Evidence Modeling of protein sequence and biophysical properties (such as structural, functional, and spatial information, amino acid conservation, physicochemical variation, residue mobility, and thermodynamic stability) indicates that this missense variant is not expected to disrupt C1S protein function with a negative predictive value of 80%. In summary, the available evidence is currently insufficient to determine the role of this variant in disease. Therefore, it has been classified as a Variant of Uncertain Significance.

NM_001734.5(C1S):c.1211C>T (p.Ala404Val)

Gene: C1S (complement C1s; plus strand). Cytogenetic location: 12p13.31.
Variant type: single nucleotide variant.
Coding change: c.1211C>T on transcript NM_001734.5 (MANE Select); coding-DNA position 1211, C replaced by T.
Protein change: p.Ala404Val; replaces alanine 404 with valine.
Molecular consequence: missense variant.
Genome position (GRCh38, 1-based): chr12:7,068,471, C>T. VCF-style: chr12-7068471-C-T. GRCh37 (hg19) VCF-style: chr12-7175775-C-T.
Other names: c.710C>T, p.Ala237Val (NM_001346850.2); c.1211C>T, p.Ala404Val (NM_201442.4); short protein forms A237V, A404V.
Identifiers: ClinVar variation 4702627 (VCV004702627.1).
Genomic context (GRCh38, chr12:7,068,471, plus strand): 5'-AAGATGTGGTGGTGAGTGTGGCCTGTGTTCTCTGTGCTATTCCAGGGGAGTATCACTGTG[C>T]TGGTAACGGGAGCTGGGTGAATGAGGTGCTGGGCCCGGAGCTGCCGAAATGTGTTCCAGG-3'
Protein context (NP_001725.1, residues 394-414): ENGGGGEYHC[Ala404Val]GNGSWVNEVL